The following is an entry in ClinVar:

NM_001292063.2(OTOG):c.1133G>A (p.Arg378Gln)

Gene: OTOG (otogelin; plus strand). Cytogenetic location: 11p15.1.
Variant type: single nucleotide variant.
Coding change: c.1133G>A on transcript NM_001292063.2 (MANE Select); coding-DNA position 1133, G replaced by A.
Protein change: p.Arg378Gln; replaces arginine 378 with glutamine.
Molecular consequence: missense variant.
Genome position (GRCh38, 1-based): chr11:17,559,081, G>A. VCF-style: chr11-17559081-G-A. GRCh37 (hg19) VCF-style: chr11-17580628-G-A.
Other names: c.1169G>A, p.Arg390Gln (NM_001277269.2); short protein forms R378Q, R390Q.
Identifiers: ClinVar variation 4529733 (VCV004529733.2).

ClinVar aggregate classification (germline): Uncertain significance. Review status: criteria provided, multiple submitters, no conflicts (2 of 4 stars). 2 submissions from 2 submitters: Uncertain significance (2). Last evaluated 2026-02-12.

Conditions:
OTOG-related disorder. Also called: OTOG-related condition.

gnomAD v4.1: 30 of 1,547,456 alleles (0.0019%); highest among the groups gnomAD compares: East Asian, 0.039%; no homozygotes.

Submissions (2):

PreventionGenetics, part of Exact Sciences
Classification: Uncertain significance for OTOG-related condition. Last evaluated: 2026-02-12. Review status: criteria provided, single submitter. Criteria: ACMG Guidelines, 2015. Collection method: clinical testing. Allele origin: germline.
Comment: The OTOG c.1169G>A variant is predicted to result in the amino acid substitution p.Arg390Gln. To our knowledge, this variant has not been reported in the literature. This variant is reported in 0.0093% of alleles in individuals of East Asian descent in gnomAD. At this time, the clinical significance of this variant is uncertain due to the absence of conclusive functional and genetic evidence.

GeneDx
Classification: Uncertain significance. Last evaluated: 2025-05-12. Review status: criteria provided, single submitter. Criteria: GeneDx Variant Classification Process June 2021. Collection method: clinical testing. Allele origin: germline. Affected: yes.
Comment: Not observed at significant frequency in large population cohorts (gnomAD); In silico analysis supports that this missense variant has a deleterious effect on protein structure/function; Has not been previously published as pathogenic or benign to our knowledge